The following is an entry in ClinVar:

NM_024598.4(USB1):c.581A>G (p.Glu194Gly)

Gene: USB1 (U6 snRNA biogenesis phosphodiesterase 1; plus strand). Cytogenetic location: 16q21.
Variant type: single nucleotide variant.
Coding change: c.581A>G on transcript NM_024598.4 (MANE Select); coding-DNA position 581, A replaced by G.
Protein change: p.Glu194Gly; replaces glutamic acid 194 with glycine.
Molecular consequence: missense variant.
Genome position (GRCh38, 1-based): chr16:58,017,411, A>G. VCF-style: chr16-58017411-A-G. GRCh37 (hg19) VCF-style: chr16-58051315-A-G.
Other names: c.527A>G, p.Glu176Gly (NM_001195302.2); c.428A>G, p.Glu143Gly (NM_001330568.2); short protein forms E143G, E194G, E176G.
Identifiers: ClinVar variation 4196824 (VCV004196824.1).

ClinVar aggregate classification (germline): Uncertain significance (1 of 4 stars; one submission).

Conditions:
Inborn genetic diseases. Identifiers: MedGen C0950123, MeSH D030342.

Submission:

Ambry Genetics
Classification: Uncertain significance for Inborn genetic diseases. Last evaluated: 2025-08-29. Review status: criteria provided, single submitter. Criteria: Ambry Variant Classification Scheme 2023. Collection method: clinical testing. Allele origin: germline.
Comment: The p.E194G variant (also known as c.581A>G), located in coding exon 5 of the USB1 gene, results from an A to G substitution at nucleotide position 581. The glutamic acid at codon 194 is replaced by glycine, an amino acid with similar properties. This amino acid position is conserved. In addition, this alteration is predicted to be tolerated by in silico analysis. Based on the available evidence, the clinical significance of this variant remains unclear.